The following is an entry in ClinVar:

NM_001077653.2(TBX20):c.91_93del (p.Glu31del)

Gene: TBX20 (T-box transcription factor 20; minus strand). Cytogenetic location: 7p14.2.
Variant type: Deletion.
Coding change: c.91_93del on transcript NM_001077653.2 (MANE Select); coding-DNA positions 91 to 93, 3 bases deleted (GAG; older notation c.91_93delGAG).
Protein change: p.Glu31del; deletes glutamic acid 31.
Molecular consequence: inframe deletion.
Genome position (GRCh38, 1-based): chr7:35,253,528-35,253,530, CTC deleted on the plus strand (GAG on the coding strand, the reverse complement: TBX20 is on the minus strand); deleting any 3 consecutive bases within chr7:35,253,528-35,253,532 gives the same sequence; the c. name uses the placement nearest the transcript's 3' end. VCF-style (leftmost placement, unchanged base first): chr7-35253527-TCTC-T. GRCh37 (hg19) VCF-style: chr7-35293138-TCTC-T.
Other names: c.91_93del, p.Glu31del (NM_001166220.1); short protein forms E31del.
Identifiers: ClinVar variation 2001566 (VCV002001566.4), dbSNP rs2546999422, ClinGen allele CA2580077083.
Genomic context (GRCh38, chr7:35,253,527, plus strand): 5'-GGCGGACAGCCGGGTAGCCCAACTTACCCAGGGGTTTGATTGTGTTCTCCGTCGCCTCCT[TCTC>T]CTTAGAGCCGCCGCTCGACATGAGCGCGGCAATGGAGAAGGCGTTGGCCCGAGAGGAGAG-3'

ClinVar aggregate classification (germline): Uncertain significance (1 of 4 stars; one submission).

Submission:

Labcorp Genetics (formerly Invitae), Labcorp
Classification: Uncertain significance. Last evaluated: 2022-07-07. Review status: criteria provided, single submitter. Criteria: Invitae Variant Classification Sherloc (09022015). Collection method: clinical testing. Allele origin: germline.
Comment: This variant, c.91_93del, results in the deletion of 1 amino acid(s) of the TBX20 protein (p.Glu31del), but otherwise preserves the integrity of the reading frame. This variant is not present in population databases (gnomAD no frequency). In summary, the available evidence is currently insufficient to determine the role of this variant in disease. Therefore, it has been classified as a Variant of Uncertain Significance. Experimental studies and prediction algorithms are not available or were not evaluated, and the functional significance of this variant is currently unknown. This variant has not been reported in the literature in individuals affected with TBX20-related conditions.